The following is an entry in ClinVar:

ClinVar aggregate classification (germline): Uncertain significance (1 of 4 stars; one submission).

Conditions:
Nephronophthisis. Also called: Juvenile Nephronophthisis. Identifiers: Orphanet 655, MedGen C0687120, MONDO:0019005, HP:0000090.

Allele frequency attached by ClinVar (database versions not stated): TOPMed 0.00001.
gnomAD v4.1: 7 of 1,613,776 alleles (0.00043%); highest among the groups gnomAD compares: South Asian, 0.0011%; no homozygotes.

Submission:

Labcorp Genetics (formerly Invitae), Labcorp
Classification: Uncertain significance for Nephronophthisis. Last evaluated: 2020-08-21. Review status: criteria provided, single submitter. Criteria: Invitae Variant Classification Sherloc (09022015). Collection method: clinical testing. Allele origin: germline.
Comment: In summary, the available evidence is currently insufficient to determine the role of this variant in disease. Therefore, it has been classified as a Variant of Uncertain Significance. Algorithms developed to predict the effect of missense changes on protein structure and function are either unavailable or do not agree on the potential impact of this missense change (SIFT: "Tolerated"; PolyPhen-2: "Probably Damaging"; Align-GVGD: "Class C0"). This variant has not been reported in the literature in individuals with NPHP4-related conditions. This variant is not present in population databases (ExAC no frequency). This sequence change replaces proline with serine at codon 16 of the NPHP4 protein (p.Pro16Ser). The proline residue is moderately conserved and there is a moderate physicochemical difference between proline and serine.

NM_015102.5(NPHP4):c.46C>T (p.Pro16Ser)

Gene: NPHP4 (nephrocystin 4; minus strand). Cytogenetic location: 1p36.31.
Variant type: single nucleotide variant.
Coding change: c.46C>T on transcript NM_015102.5 (MANE Select); coding-DNA position 46, C replaced by T.
Protein change: p.Pro16Ser; replaces proline 16 with serine.
Molecular consequence: missense variant. On other transcripts: 5 prime UTR variant (1), non-coding transcript variant (1), intron variant (1).
Genome position (GRCh38, 1-based): chr1:5,986,244, G>A on the plus strand (C>T on the coding strand, the complement: NPHP4 is on the minus strand). VCF-style: chr1-5986244-G-A. GRCh37 (hg19) VCF-style: chr1-6046304-G-A.
Other names: c.-1184C>T (NM_001291593.2); c.-1088+6000C>T (NM_001291594.2); short protein forms P16S.
Identifiers: ClinVar variation 1035152 (VCV001035152.8), dbSNP rs569481065, ClinGen allele CA17134519.